The following is an entry in ClinVar:

NM_004991.4(MECOM):c.514T>C (p.Phe172Leu)

Gene: MECOM (MDS1 and EVI1 complex locus; minus strand). Cytogenetic location: 3q26.2.
Variant type: single nucleotide variant.
Coding change: c.514T>C on transcript NM_004991.4 (MANE Select); coding-DNA position 514, T replaced by C.
Protein change: p.Phe172Leu; replaces phenylalanine 172 with leucine.
Molecular consequence: missense variant. On other transcripts: 5 prime UTR variant (12).
Genome position (GRCh38, 1-based): chr3:169,131,528, A>G on the plus strand (T>C on the coding strand, the complement: MECOM is on the minus strand). VCF-style: chr3-169131528-A-G. GRCh37 (hg19) VCF-style: chr3-168849316-A-G.
Other names: c.142T>C, p.Phe48Leu (NM_001105077.4); c.-51T>C (NM_001105078.4, NM_001163999.2, NM_001164000.2 and 9 more transcripts); c.514T>C, p.Phe172Leu (NM_001366466.2, NM_001366473.2); c.514T>C (NM_004991.3); short protein forms F48L, F172L.
Identifiers: ClinVar variation 3891642 (VCV003891642.2).

ClinVar aggregate classification (germline): Uncertain significance. Review status: criteria provided, multiple submitters, no conflicts (2 of 4 stars). 2 submissions from 2 submitters: Uncertain significance (2). Last evaluated 2025-04-05.

Conditions:
Inborn genetic diseases. Identifiers: MedGen C0950123, MeSH D030342.
Radioulnar synostosis with amegakaryocytic thrombocytopenia 2 (RUSAT2). Also called: RADIOULNAR SYNOSTOSIS AND AMEGAKARYOCYTIC THROMBOCYTOPENIA 2. Identifiers: Orphanet 71289, MedGen C4225221, MONDO:0014758, OMIM 616738.

gnomAD v4.1: 3 of 1,610,036 alleles (0.00019%); highest among the groups gnomAD compares: Non-Finnish European, 0.00025%; no homozygotes.

Submissions (2):

Ambry Genetics
Classification: Uncertain significance for Inborn genetic diseases. Last evaluated: 2025-04-05. Review status: criteria provided, single submitter. Criteria: Ambry Variant Classification Scheme 2023. Collection method: clinical testing. Allele origin: germline.
Comment: The p.F172L variant (also known as c.514T>C), located in coding exon 4 of the MECOM gene, results from a T to C substitution at nucleotide position 514. The phenylalanine at codon 172 is replaced by leucine, an amino acid with highly similar properties. This amino acid position is conserved. In addition, the in silico prediction for this alteration is inconclusive. Based on the available evidence, the clinical significance of this variant remains unclear.

Department of Pathology and Laboratory Medicine, Sinai Health System
Classification: Uncertain significance for Radioulnar synostosis with amegakaryocytic thrombocytopenia 2. Last evaluated: 2023-01-31. Review status: criteria provided, single submitter. Criteria: ACMG Guidelines, 2015. Collection method: research. Allele origin: germline.